The following is an entry in ClinVar:

ClinVar aggregate classification (germline): Conflicting classifications of pathogenicity. Review status: criteria provided, conflicting classifications (1 of 4 stars). 5 submissions from 5 submitters: Uncertain significance (1); Likely benign (4). Last evaluated 2026-05-01.

Conditions:
Generalized epilepsy-paroxysmal dyskinesia syndrome (PNKD3). Also called: Paroxysmal nonkinesigenic dyskinesia, 3, with or without generalized epilepsy; Generalized epilepsy and paroxysmal dyskinesia. Identifiers: Orphanet 79137, MedGen C5574945, MONDO:0012276, OMIM 609446.

Allele frequency attached by ClinVar (database versions not stated): gnomAD 0.00004; TOPMed 0.00007.
gnomAD v4.1: 59 of 1,613,504 alleles (0.0037%); highest among the groups gnomAD compares: Admixed American, 0.067%; no homozygotes.

Submissions (5):

CeGaT Center for Human Genetics Tuebingen
Classification: Likely benign. Last evaluated: 2026-05-01. Review status: criteria provided, single submitter. Criteria: CeGaT Center For Human Genetics Tuebingen Variant Classification Criteria Version 2. Collection method: clinical testing. Allele origin: germline. Affected: yes. Observed: 1 variant allele.
Comment: KCNMA1: BP4, BP7

Labcorp Genetics (formerly Invitae), Labcorp
Classification: Likely benign for Generalized epilepsy-paroxysmal dyskinesia syndrome. Last evaluated: 2026-02-01. Review status: criteria provided, single submitter. Criteria: Invitae Variant Classification Sherloc (09022015). Collection method: clinical testing. Allele origin: germline.

Mayo Clinic Laboratories, Mayo Clinic
Classification: Likely benign. Last evaluated: 2025-03-17. Review status: criteria provided, single submitter. Criteria: ACMG Guidelines, 2015. Collection method: clinical testing. Allele origin: germline. Observed: 1 variant allele.
Comment: BS1, BP4, BP7

GeneDx
Classification: Likely benign. Last evaluated: 2019-08-23. Review status: criteria provided, single submitter. Criteria: GeneDx Variant Classification Process June 2021. Collection method: clinical testing. Allele origin: germline. Affected: yes.

Illumina Laboratory Services, Illumina
Classification: Uncertain significance for Generalized epilepsy-paroxysmal dyskinesia syndrome. Last evaluated: 2018-01-13. Review status: criteria provided, single submitter. Criteria: ICSL Variant Classification Criteria 13 December 2019. Collection method: clinical testing. Allele origin: germline.

NM_001161352.2(KCNMA1):c.771C>T (p.Pro257=)

Gene: KCNMA1 (potassium calcium-activated channel subfamily M alpha 1; minus strand). Cytogenetic location: 10q22.3.
Variant type: single nucleotide variant.
Coding change: c.771C>T on transcript NM_001161352.2 (MANE Select); coding-DNA position 771, C replaced by T.
Protein change: p.Pro257=; no amino-acid change (proline 257 retained).
Molecular consequence: synonymous variant.
Genome position (GRCh38, 1-based): chr10:77,183,458, G>A on the plus strand (C>T on the coding strand, the complement: KCNMA1 is on the minus strand). VCF-style: chr10-77183458-G-A. GRCh37 (hg19) VCF-style: chr10-78943216-G-A.
Other names: p.Pro257=; c.771C>T, p.Pro257= (NM_002247.4, NM_001014797.3, NM_001161353.2 and 7 more transcripts); c.609C>T, p.Pro203= (NM_001271518.2); c.231C>T, p.Pro77= (NM_001322838.2).
Identifiers: ClinVar variation 464305 (VCV000464305.22), dbSNP rs367642241, ClinGen allele CA5568612.
Genomic context (GRCh38, chr10:77,183,458, plus strand): 5'-GAAGGAAAGAGAGGCTGACTTACCAAGCCAACTTCTGTTTAAGTACACAGACACAAACAC[G>A]GGGGGCACCGTGAAGAAATCCACTACAGAGTTCACTTCCAGCCAGAACCACAATTTATCG-3'
Protein context (NP_001154824.1, residues 247-267): NSVVDFFTVP[Pro257=]VFVSVYLNRS